The following is an entry in ClinVar:

NM_002448.3(MSX1):c.310G>C (p.Gly104Arg)

Genes: MSX1 (msh homeobox 1; plus strand), LOC129992137 (ATAC-STARR-seq lymphoblastoid silent region 15219; plus strand). Cytogenetic location: 4p16.2.
Variant type: single nucleotide variant.
Coding change: c.310G>C on transcript NM_002448.3 (MANE Select); coding-DNA position 310, G replaced by C.
Protein change: p.Gly104Arg; replaces glycine 104 with arginine.
Molecular consequence: missense variant.
Genome position (GRCh38, 1-based): chr4:4,860,209, G>C. VCF-style: chr4-4860209-G-C. GRCh37 (hg19) VCF-style: chr4-4861936-G-C.
Other names: short protein forms G104R.
Identifiers: ClinVar variation 578158 (VCV000578158.10), dbSNP rs768005654, ClinGen allele CA2832941.
Genomic context (GRCh38, chr4:4,860,209, plus strand): 5'-GAGGGCGTGCAGGCGGCGGGTGGCTCGGCGCAGCCACTGGGCGTCCCGCCGGGGTCGCTG[G>C]GAGCCCCGGACGCGCCCTCTTCGCCGCGGCCGCTCGGCCATTTCTCGGTGGGGGGACTCC-3'
Protein context (NP_002439.2, residues 94-114): QPLGVPPGSL[Gly104Arg]APDAPSSPRP

ClinVar aggregate classification (germline): Uncertain significance. Review status: criteria provided, multiple submitters, no conflicts (2 of 4 stars). 2 submissions from 2 submitters: Uncertain significance (2). Last evaluated 2025-06-24.

Conditions:
Inborn genetic diseases. Identifiers: MedGen C0950123, MeSH D030342.
Hypoplastic enamel-onycholysis-hypohidrosis syndrome (TNS). Also called: Tooth-and-Nail Syndrome; ECTODERMAL DYSPLASIA 3, WITKOP TYPE; WITKOP SYNDROME; ECTODERMAL DYSPLASIA 3, TOOTH/NAIL TYPE; NAIL DYSPLASIA WITH HYPODONTIA. Identifiers: Orphanet 2228, MedGen C0406735, MONDO:0008582, OMIM 189500.

Allele frequency attached by ClinVar (database versions not stated): gnomAD 0.00001; gnomAD exomes 0.00002; TOPMed 0.00005; ExAC 0.00012.

Submissions (2):

Ambry Genetics
Classification: Uncertain significance for Inborn genetic diseases. Last evaluated: 2025-06-24. Review status: criteria provided, single submitter. Criteria: Ambry Variant Classification Scheme 2023. Collection method: clinical testing. Allele origin: germline.

Labcorp Genetics (formerly Invitae), Labcorp
Classification: Uncertain significance for Hypoplastic enamel-onycholysis-hypohidrosis syndrome. Last evaluated: 2021-06-22. Review status: criteria provided, single submitter. Criteria: Invitae Variant Classification Sherloc (09022015). Collection method: clinical testing. Allele origin: germline.
Comment: This sequence change replaces glycine with arginine at codon 104 of the MSX1 protein (p.Gly104Arg). The glycine residue is moderately conserved and there is a moderate physicochemical difference between glycine and arginine. This variant is present in population databases (rs768005654, ExAC 0.1%). This variant has not been reported in the literature in individuals with MSX1-related disease. Algorithms developed to predict the effect of missense changes on protein structure and function (SIFT, PolyPhen-2, Align-GVGD) all suggest that this variant is likely to be tolerated, but these predictions have not been confirmed by published functional studies and their clinical significance is uncertain. In summary, the available evidence is currently insufficient to determine the role of this variant in disease. Therefore, it has been classified as a Variant of Uncertain Significance.